The following is an entry in ClinVar:

ClinVar aggregate classification (germline): Uncertain significance (1 of 4 stars; one submission).

Conditions:
Epidermolysis bullosa simplex with nail dystrophy (EBS5D). Identifiers: MedGen C4225309, MONDO:0014661, OMIM 616487.
Epidermolysis bullosa simplex, Ogna type (EBS5A). Also called: Pidermolysis bullosa simplex 5A, Ogna type; EPIDERMOLYSIS BULLOSA SIMPLEX 5A, OGNA TYPE. Identifiers: Orphanet 79401, MedGen C0432317, MONDO:0007555, OMIM 131950.
Autosomal recessive limb-girdle muscular dystrophy type 2Q (LGMDR17). Also called: MUSCULAR DYSTROPHY, LIMB-GIRDLE, AUTOSOMAL RECESSIVE 17. Identifiers: Orphanet 254361, MedGen C3150989, MONDO:0013390, OMIM 613723.
Epidermolysis bullosa simplex 5B, with muscular dystrophy (EBS5B). Also called: EPIDERMOLYSIS BULLOSA SIMPLEX AND LIMB-GIRDLE MUSCULAR DYSTROPHY; Epidermolysis bullosa simplex with muscular dystrophy. Identifiers: Orphanet 257, MedGen C2931072, MONDO:0009181, OMIM 226670.
Epidermolysis bullosa simplex 5C, with pyloric atresia (EBS5C). Also called: PLEC-Related Epidermolysis Bullosa with Pyloric Atresia; Epidermolysis bullosa simplex with pyloric atresia; PLEC1-Related Epidermolysis Bullosa with Pyloric Atresia. Identifiers: Orphanet 158684, MedGen C2677349, MONDO:0012807, OMIM 612138.

Allele frequency attached by ClinVar (database versions not stated): ExAC 0.00001.
gnomAD v4.1: 1 of 1,611,484 alleles (0.000062%); highest among the groups gnomAD compares: Non-Finnish European, 0.000085%; no homozygotes.

Submission:

Labcorp Genetics (formerly Invitae), Labcorp
Classification: Uncertain significance for Autosomal recessive limb-girdle muscular dystrophy type 2Q; Epidermolysis bullosa simplex, Ogna type; Epidermolysis bullosa simplex with nail dystrophy; Epidermolysis bullosa simplex 5C, with pyloric atresia; Epidermolysis bullosa simplex 5B, with muscular dystrophy. Last evaluated: 2025-10-13. Review status: criteria provided, single submitter. Criteria: Invitae Variant Classification Sherloc (09022015). Collection method: clinical testing. Allele origin: germline.
Comment: This sequence change replaces aspartic acid, which is acidic and polar, with asparagine, which is neutral and polar, at codon 14 of the PLEC protein (p.Asp14Asn). This variant is present in population databases (rs781915489, gnomAD 0.0009%). This variant has not been reported in the literature in individuals affected with PLEC-related conditions. ClinVar contains an entry for this variant (Variation ID: 1517931). Experimental studies and prediction algorithms are not available or were not evaluated, and the functional significance of this variant is currently unknown. In summary, the available evidence is currently insufficient to determine the role of this variant in disease. Therefore, it has been classified as a Variant of Uncertain Significance.

NM_000445.5(PLEC):c.40G>A (p.Asp14Asn)

Gene: PLEC (plectin; minus strand). Cytogenetic location: 8q24.3.
Variant type: single nucleotide variant.
Coding change: c.40G>A on transcript NM_000445.5; coding-DNA position 40, G replaced by A.
Protein change: p.Asp14Asn; replaces aspartic acid 14 with asparagine.
Molecular consequence: missense variant.
Genome position (GRCh38, 1-based): chr8:143,975,330, C>T on the plus strand (G>A on the coding strand, the complement: PLEC is on the minus strand). VCF-style: chr8-143975330-C-T. GRCh37 (hg19) VCF-style: chr8-145049498-C-T.
Other names: c.40G>A, p.Asp14Asn (NM_001410941.1); short protein forms D14N.
Identifiers: ClinVar variation 1517931 (VCV001517931.9), dbSNP rs781915489, ClinGen allele CA4929181.